The following is an entry in ClinVar:

ClinVar aggregate classification (germline): Uncertain significance (1 of 4 stars; one submission).

Submission:

GeneDx
Classification: Uncertain significance. Last evaluated: 2024-09-05. Review status: criteria provided, single submitter. Criteria: GeneDx Variant Classification Process June 2021. Collection method: clinical testing. Allele origin: germline. Affected: yes.
Comment: Not observed at significant frequency in large population cohorts (gnomAD); In silico analysis supports that this missense variant has a deleterious effect on protein structure/function; Has not been previously published as pathogenic or benign to our knowledge

NM_005901.6(SMAD2):c.227C>A (p.Thr76Asn)

Gene: SMAD2 (SMAD family member 2; minus strand). Cytogenetic location: 18q21.1.
Variant type: single nucleotide variant.
Coding change: c.227C>A on transcript NM_005901.6 (MANE Select); coding-DNA position 227, C replaced by A.
Protein change: p.Thr76Asn; replaces threonine 76 with asparagine.
Molecular consequence: missense variant.
Genome position (GRCh38, 1-based): chr18:47,896,530, G>T on the plus strand (C>A on the coding strand, the complement: SMAD2 is on the minus strand). VCF-style: chr18-47896530-G-T. GRCh37 (hg19) VCF-style: chr18-45422901-G-T.
Other names: c.227C>A, p.Thr76Asn (NM_001003652.4, NM_001135937.3); short protein forms T76N.
Identifiers: ClinVar variation 3767419 (VCV003767419.1).
Genomic context (GRCh38, chr18:47,896,530, plus strand): 5'-TTCAGATTCCTTGACATAATTTGATCAAACCTGGGATCTAACAAAACTTACCTTGGTATG[G>T]TAACACATTTAGTATTACAGTTTTGAGTGGTGATGGCTTTCTCAAGCTCATCTAATCGTC-3'
Protein context (NP_005892.1, residues 66-86): TTQNCNTKCV[Thr76Asn]IPSTCSEIWG